The following is an entry in ClinVar:

ClinVar aggregate classification (germline): Uncertain significance (1 of 4 stars; one submission).

Conditions:
Lethal congenital glycogen storage disease of heart. Also called: GLYCOGEN STORAGE DISEASE OF HEART; PHOSPHORYLASE KINASE DEFICIENCY OF HEART. Identifiers: Orphanet 439854, MedGen C1849813, MONDO:0009867, OMIM 261740.

Submission:

Labcorp Genetics (formerly Invitae), Labcorp
Classification: Uncertain significance for Lethal congenital glycogen storage disease of heart. Last evaluated: 2023-07-07. Review status: criteria provided, single submitter. Criteria: Invitae Variant Classification Sherloc (09022015). Collection method: clinical testing. Allele origin: germline.
Comment: This sequence change replaces histidine, which is basic and polar, with arginine, which is basic and polar, at codon 222 of the PRKAG2 protein (p.His222Arg). This variant is not present in population databases (gnomAD no frequency). This variant has not been reported in the literature in individuals affected with PRKAG2-related conditions. ClinVar contains an entry for this variant (Variation ID: 533874). Advanced modeling of protein sequence and biophysical properties (such as structural, functional, and spatial information, amino acid conservation, physicochemical variation, residue mobility, and thermodynamic stability) performed at Invitae indicates that this missense variant is not expected to disrupt PRKAG2 protein function. In summary, the available evidence is currently insufficient to determine the role of this variant in disease. Therefore, it has been classified as a Variant of Uncertain Significance.

NM_016203.4(PRKAG2):c.665A>G (p.His222Arg)

Gene: PRKAG2 (protein kinase AMP-activated non-catalytic subunit gamma 2; minus strand). Cytogenetic location: 7q36.1.
Variant type: single nucleotide variant.
Coding change: c.665A>G on transcript NM_016203.4 (MANE Select); coding-DNA position 665, A replaced by G.
Protein change: p.His222Arg; replaces histidine 222 with arginine.
Molecular consequence: missense variant.
Genome position (GRCh38, 1-based): chr7:151,675,439, T>C on the plus strand (A>G on the coding strand, the complement: PRKAG2 is on the minus strand). VCF-style: chr7-151675439-T-C. GRCh37 (hg19) VCF-style: chr7-151372525-T-C.
Other names: c.533A>G, p.His178Arg (NM_001040633.2); c.293A>G, p.His98Arg (NM_001304527.2, NM_001363698.2); short protein forms H222R, H98R, H178R.
Identifiers: ClinVar variation 533874 (VCV000533874.8), dbSNP rs1289045435, ClinGen allele CA370186920.